The following is an entry in ClinVar:

ClinVar aggregate classification (germline): Pathogenic (1 of 4 stars; one submission).

Conditions:
Citrullinemia. Identifiers: Orphanet 187, MedGen C0175683, MONDO:0015991.

Submission:

Labcorp Genetics (formerly Invitae), Labcorp
Classification: Pathogenic for Citrullinemia. Last evaluated: 2022-10-06. Review status: criteria provided, single submitter. Criteria: Invitae Variant Classification Sherloc (09022015). Collection method: clinical testing. Allele origin: germline.
Comment: A gross deletion of the genomic region encompassing the full coding sequence of the ASS1 gene has been identified. Loss-of-function variants in ASS1 are known to be pathogenic (PMID: 18473344, 19006241). The boundaries of this event are unknown as they extend beyond the assayed region for this gene and therefore may encompass additional genes. This variant has not been reported in the literature in individuals affected with ASS1-related conditions. For these reasons, this variant has been classified as Pathogenic.

Literature cited by the submitters: PubMed 18473344; PubMed 19006241.

NC_000009.11:g.(?_133319094)_(133377661_?)del

Gene: ASS1 (argininosuccinate synthase 1; plus strand). Cytogenetic location: 9q34.11.
Variant type: Deletion.
Identifiers: ClinVar variation 2422207 (VCV002422207.8).